The following is an entry in ClinVar:

NM_000093.5(COL5A1):c.4234G>A (p.Glu1412Lys)

Gene: COL5A1 (collagen type V alpha 1 chain; plus strand). Cytogenetic location: 9q34.3.
Variant type: single nucleotide variant.
Coding change: c.4234G>A on transcript NM_000093.5 (MANE Select); coding-DNA position 4234, G replaced by A.
Protein change: p.Glu1412Lys; replaces glutamic acid 1412 with lysine.
Molecular consequence: missense variant.
Genome position (GRCh38, 1-based): chr9:134,818,659, G>A. VCF-style: chr9-134818659-G-A. GRCh37 (hg19) VCF-style: chr9-137710505-G-A.
Other names: p.Glu1412Lys; p.(Glu1412Lys); c.4234G>A, p.Glu1412Lys (NM_001278074.1); short protein forms E1412K.
Identifiers: ClinVar variation 197977 (VCV000197977.22), dbSNP rs376893441, ClinGen allele CA246407.

ClinVar aggregate classification (germline): Uncertain significance. Review status: criteria provided, multiple submitters, no conflicts (2 of 4 stars). 5 submissions from 5 submitters: Uncertain significance (5). Last evaluated 2025-10-16.

Conditions:
Ehlers-Danlos syndrome, classic type, 1 (EDSCL1). Also called: EDS I; Ehlers-Danlos syndrome, type 1; Ehlers-Danlos Syndrome, Classic Type, COL5A1-Related; EHLERS-DANLOS SYNDROME, GRAVIS TYPE; EHLERS-DANLOS SYNDROME, SEVERE CLASSIC TYPE. Identifiers: MedGen C0268335, MONDO:0019567, OMIM 130000.
Familial thoracic aortic aneurysm and aortic dissection (TAAD). Also called: Thoracic aortic aneurysms and dissections. Identifiers: Orphanet 91387, MedGen C4707243, MONDO:0019625.

Allele frequency attached by ClinVar (database versions not stated): gnomAD exomes 0.00001 and 0.00004; ExAC 0.00004; ESP Exome Variant Server 0.00008; TOPMed below 0.00001.
gnomAD v4.1: 50 of 1,608,900 alleles (0.0031%); highest among the groups gnomAD compares: Non-Finnish European, 0.0042%; no homozygotes.

Submissions (5):

Labcorp Genetics (formerly Invitae), Labcorp
Classification: Uncertain significance for Ehlers-Danlos syndrome, classic type, 1. Last evaluated: 2025-10-16. Review status: criteria provided, single submitter. Criteria: Invitae Variant Classification Sherloc (09022015). Collection method: clinical testing. Allele origin: germline.
Comment: This sequence change replaces glutamic acid, which is acidic and polar, with lysine, which is basic and polar, at codon 1412 of the COL5A1 protein (p.Glu1412Lys). This variant is present in population databases (rs376893441, gnomAD 0.003%). This variant has not been reported in the literature in individuals affected with COL5A1-related conditions. ClinVar contains an entry for this variant (Variation ID: 197977). Invitae Evidence Modeling of protein sequence and biophysical properties (such as structural, functional, and spatial information, amino acid conservation, physicochemical variation, residue mobility, and thermodynamic stability) has been performed for this missense variant. However, the output from this modeling did not meet the statistical confidence thresholds required to predict the impact of this variant on COL5A1 protein function. In summary, the available evidence is currently insufficient to determine the role of this variant in disease. Therefore, it has been classified as a Variant of Uncertain Significance.

Mayo Clinic Laboratories, Mayo Clinic
Classification: Uncertain significance. Last evaluated: 2025-08-28. Review status: criteria provided, single submitter. Criteria: ACMG Guidelines, 2015. Collection method: clinical testing. Allele origin: germline. Observed: 1 variant allele.
Comment: PP3, PM2_supporting

GeneDx
Classification: Uncertain significance. Last evaluated: 2025-05-14. Review status: criteria provided, single submitter. Criteria: GeneDx Variant Classification Process June 2021. Collection method: clinical testing. Allele origin: germline. Affected: yes.
Comment: Not observed at significant frequency in large population cohorts (gnomAD); In silico analysis supports that this missense variant has a deleterious effect on protein structure/function; Has not been previously published as pathogenic or benign to our knowledge; This variant is associated with the following publications: (PMID: 22696272)

Ambry Genetics
Classification: Uncertain significance for Familial thoracic aortic aneurysm and aortic dissection. Last evaluated: 2024-10-17. Review status: criteria provided, single submitter. Criteria: Ambry Variant Classification Scheme 2023. Collection method: clinical testing. Allele origin: germline.
Comment: The p.E1412K variant (also known as c.4234G>A), located in coding exon 55 of the COL5A1 gene, results from a G to A substitution at nucleotide position 4234. The glutamic acid at codon 1412 is replaced by lysine, an amino acid with similar properties. This amino acid position is well conserved in available vertebrate species. In addition, this alteration is predicted to be deleterious by in silico analysis. Since supporting evidence is limited at this time, the clinical significance of this alteration remains unclear.

Eurofins Ntd Llc (ga)
Classification: Uncertain significance. Last evaluated: 2014-11-15. Review status: criteria provided, single submitter. Criteria: EGL Classification Definitions 2015. Collection method: clinical testing. Allele origin: germline. Observed: 1 variant allele, 1 heterozygote.